The following is an entry in ClinVar:

ClinVar aggregate classification (germline): Uncertain significance. Review status: criteria provided, multiple submitters, no conflicts (2 of 4 stars). 3 submissions from 3 submitters: Uncertain significance (3). Last evaluated 2025-02-10.

Conditions:
Ataxia-telangiectasia syndrome (AT). Also called: Ataxia telangiectasia (A-T); ATAXIA-TELANGIECTASIA, COMPLEMENTATION GROUP A; ATAXIA-TELANGIECTASIA, FRESNO VARIANT; Ataxia-telangiectasia; Ataxia-telangiectasia, complementation group E; LOUIS-BAR SYNDROME. Identifiers: Orphanet 100, MedGen C0004135, MONDO:0008840, OMIM 208900.
Hereditary cancer-predisposing syndrome. Also called: Neoplastic Syndromes, Hereditary; Tumor predisposition; Hereditary Cancer Syndrome; Hereditary neoplastic syndrome. Identifiers: Orphanet 140162, MedGen C0027672, MeSH D009386, MONDO:0015356.

gnomAD v4.1: 6 of 1,614,052 alleles (0.00037%); highest among the groups gnomAD compares: Non-Finnish European, 0.00051%; no homozygotes.

Submissions (3):

Labcorp Genetics (formerly Invitae), Labcorp
Classification: Uncertain significance for Ataxia-telangiectasia syndrome. Last evaluated: 2025-02-10. Review status: criteria provided, single submitter. Criteria: Invitae Variant Classification Sherloc (09022015). Collection method: clinical testing. Allele origin: germline.
Comment: This sequence change replaces valine, which is neutral and non-polar, with methionine, which is neutral and non-polar, at codon 2915 of the ATM protein (p.Val2915Met). This variant is not present in population databases (gnomAD no frequency). This variant has not been reported in the literature in individuals affected with ATM-related conditions. ClinVar contains an entry for this variant (Variation ID: 1039690). Invitae Evidence Modeling of protein sequence and biophysical properties (such as structural, functional, and spatial information, amino acid conservation, physicochemical variation, residue mobility, and thermodynamic stability) indicates that this missense variant is expected to disrupt ATM protein function with a positive predictive value of 95%. In summary, the available evidence is currently insufficient to determine the role of this variant in disease. Therefore, it has been classified as a Variant of Uncertain Significance.

Ambry Genetics
Classification: Uncertain significance for Hereditary cancer-predisposing syndrome. Last evaluated: 2024-09-10. Review status: criteria provided, single submitter. Criteria: Ambry Variant Classification Scheme 2023. Collection method: clinical testing. Allele origin: germline.
Comment: The p.V2915M variant (also known as c.8743G>A), located in coding exon 59 of the ATM gene, results from a G to A substitution at nucleotide position 8743. The valine at codon 2915 is replaced by methionine, an amino acid with highly similar properties. This amino acid position is conserved. In addition, this alteration is predicted to be deleterious by in silico analysis. Based on the available evidence, the clinical significance of this variant remains unclear.

GeneDx
Classification: Uncertain significance. Last evaluated: 2023-05-30. Review status: criteria provided, single submitter. Criteria: GeneDx Variant Classification Process June 2021. Collection method: clinical testing. Allele origin: germline. Affected: yes.
Comment: Not observed at significant frequency in large population cohorts (gnomAD); In silico analysis supports that this missense variant does not alter protein structure/function; Has not been previously published as pathogenic or benign to our knowledge; This variant is associated with the following publications: (PMID: 23532176)

NM_000051.4(ATM):c.8743G>A (p.Val2915Met)

Genes: ATM (ATM serine/threonine kinase; plus strand), C11orf65 (chromosome 11 open reading frame 65; minus strand). Cytogenetic location: 11q22.3.
Variant type: single nucleotide variant.
Coding change: c.8743G>A on transcript NM_000051.4 (MANE Select); coding-DNA position 8743, G replaced by A.
Protein change: p.Val2915Met; replaces valine 2915 with methionine.
Molecular consequence: missense variant. On other transcripts: intron variant (2).
Genome position (GRCh38, 1-based): chr11:108,353,837, G>A. VCF-style: chr11-108353837-G-A. GRCh37 (hg19) VCF-style: chr11-108224564-G-A.
Other names: c.8743G>A, p.Val2915Met (NM_001351834.2); c.640+32083C>T (NM_001330368.2); c.695-18545C>T (NM_001351110.2); short protein forms V2915M.
Identifiers: ClinVar variation 1039690 (VCV001039690.11), dbSNP rs2089510680, ClinGen allele CA382523982.